The following is an entry in ClinVar:

ClinVar aggregate classification (germline): Uncertain significance (1 of 4 stars; one submission).

Conditions:
Very long chain acyl-CoA dehydrogenase deficiency (ACADVLD). Also called: Very Long-Chain Acyl-Coenzyme A Dehydrogenase Deficiency; VLCAD Deficiency. Identifiers: Orphanet 26793, MedGen C3887523, MONDO:0008723, OMIM 201475.

Allele frequency attached by ClinVar (database versions not stated): gnomAD exomes below 0.00001.
gnomAD v4.1: 1 of 1,614,170 alleles (0.000062%); highest among the groups gnomAD compares: Non-Finnish European, 0.000085%; no homozygotes.

Submission:

Labcorp Genetics (formerly Invitae), Labcorp
Classification: Uncertain significance for Very long chain acyl-CoA dehydrogenase deficiency. Last evaluated: 2022-11-15. Review status: criteria provided, single submitter. Criteria: Invitae Variant Classification Sherloc (09022015). Collection method: clinical testing. Allele origin: germline.
Comment: This sequence change replaces lysine, which is basic and polar, with arginine, which is basic and polar, at codon 79 of the ACADVL protein (p.Lys79Arg). This variant is not present in population databases (gnomAD no frequency). In summary, the available evidence is currently insufficient to determine the role of this variant in disease. Therefore, it has been classified as a Variant of Uncertain Significance. Algorithms developed to predict the effect of missense changes on protein structure and function (SIFT, PolyPhen-2, Align-GVGD) all suggest that this variant is likely to be tolerated. ClinVar contains an entry for this variant (Variation ID: 1035900). This variant has not been reported in the literature in individuals affected with ACADVL-related conditions.

NM_000018.4(ACADVL):c.236A>G (p.Lys79Arg)

Gene: ACADVL (acyl-CoA dehydrogenase very long chain; plus strand). Cytogenetic location: 17p13.1.
Variant type: single nucleotide variant.
Coding change: c.236A>G on transcript NM_000018.4 (MANE Select); coding-DNA position 236, A replaced by G.
Protein change: p.Lys79Arg; replaces lysine 79 with arginine.
Molecular consequence: missense variant.
Genome position (GRCh38, 1-based): chr17:7,220,635, A>G. VCF-style: chr17-7220635-A-G. GRCh37 (hg19) VCF-style: chr17-7123954-A-G.
Other names: c.170A>G, p.Lys57Arg (NM_001033859.3); c.305A>G, p.Lys102Arg (NM_001270447.2); c.8A>G, p.Lys3Arg (NM_001270448.2); short protein forms K102R, K79R, K57R, K3R.
Identifiers: ClinVar variation 1035900 (VCV001035900.8), dbSNP rs2071157517, ClinGen allele CA397722393.